The following is an entry in ClinVar:

ClinVar aggregate classification (germline): Conflicting classifications of pathogenicity. Review status: criteria provided, conflicting classifications (1 of 4 stars). 10 submissions from 10 submitters: Uncertain significance (1); Benign (2); Likely benign (5). 2 of the submissions do not count toward it. Last evaluated 2026-01-11.

Conditions:
NEXN-related disorder. Also called: NEXN-related condition; NEXN-related disorders.
Cardiovascular phenotype. Identifiers: MedGen CN230736.
Hypertrophic cardiomyopathy 20. Identifiers: MedGen C3151267, MONDO:0013477, OMIM 613876.
Dilated cardiomyopathy 1CC (CMD1CC). Identifiers: Orphanet 154, MedGen C2751084, MONDO:0013147, OMIM 613122.
Cardiomyopathy (CMYO). Also called: Cardiomyopathies. Identifiers: Orphanet 167848, MedGen C0878544, MONDO:0004994, HP:0001638. Inheritance: Various modes of inheritance.

Allele frequency attached by ClinVar (database versions not stated): gnomAD 0.00025; TOPMed 0.00031; 1000 Genomes Project 30x 0.00094; 1000 Genomes Project 0.00120.
gnomAD v4.1: 362 of 1,613,862 alleles (0.022%); highest among the groups gnomAD compares: East Asian, 0.49%; 1 homozygote.

Submissions (11):

Labcorp Genetics (formerly Invitae), Labcorp
Classification: Benign for Dilated cardiomyopathy 1CC; Hypertrophic cardiomyopathy 20. Last evaluated: 2026-01-11. Review status: criteria provided, single submitter. Criteria: Invitae Variant Classification Sherloc (09022015). Collection method: clinical testing. Allele origin: germline.

Molecular Genetics, Royal Melbourne Hospital
Classification: Likely benign for Cardiomyopathy. Last evaluated: 2024-07-04. Review status: criteria provided, single submitter. Criteria: ACMG Guidelines, 2015. Collection method: clinical testing. Allele origin: germline. Inheritance: Autosomal dominant inheritance.

Blueprint Genetics
Classification: Likely benign. Last evaluated: 2024-04-24. Review status: criteria provided, single submitter. Criteria: ACMG Guidelines, 2015. Collection method: clinical testing. Allele origin: germline.

GeneDx
Classification: Likely benign. Last evaluated: 2019-09-03. Review status: criteria provided, single submitter. Criteria: GeneDx Variant Classification Process June 2021. Collection method: clinical testing. Allele origin: germline. Affected: yes.
Comment: This variant is associated with the following publications: (PMID: 23840593, 24503780, 20970104, 32344918)

CHEO Genetics Diagnostic Laboratory, Children's Hospital of Eastern Ontario
Classification: Benign for Cardiomyopathy. Last evaluated: 2019-01-21. Review status: criteria provided, single submitter. Criteria: ACMG Guidelines, 2015. Collection method: clinical testing. Allele origin: germline.

Ambry Genetics
Classification: Likely benign for Cardiovascular phenotype. Last evaluated: 2018-03-13. Review status: criteria provided, single submitter. Criteria: Ambry Variant Classification Scheme 2023. Collection method: clinical testing. Allele origin: germline.

Soonchunhyang University Bucheon Hospital, Soonchunhyang University Medical Center
Classification: Uncertain significance for Hypertrophic cardiomyopathy 20. Last evaluated: 2016-03-18. Review status: criteria provided, single submitter. Criteria: ACMG Guidelines, 2015. Collection method: reference population. Allele origin: germline. Observed: 1 variant allele.

Laboratory for Molecular Medicine, Mass General Brigham Personalized Medicine
Classification: Likely benign. Last evaluated: 2012-08-13. Review status: criteria provided, single submitter. Criteria: LMM Criteria. Collection method: clinical testing. Allele origin: germline. Observed: 1 variant allele.
Comment: However, this variant has been identified in 1.3% (5/394) of Han Chinese chromosomes from a broad population by the 1000 Genomes project (dbSNP rs146245480). At this frequency this variant is most likely beni gn though a modifying role cannot be excluded.

PreventionGenetics, part of Exact Sciences
Classification: Likely benign for NEXN-related condition. Last evaluated: 2019-06-26. Review status: no assertion criteria provided. Collection method: clinical testing. Allele origin: germline. Not counted in ClinVar's aggregate classification.
Comment: This variant is classified as likely benign based on ACMG/AMP sequence variant interpretation guidelines (Richards et al. 2015 PMID: 25741868, with internal and published modifications).

OMIM
Classification: Pathogenic for CARDIOMYOPATHY, FAMILIAL HYPERTROPHIC, 20. Last evaluated: 2010-11-12. Review status: no assertion criteria provided. Collection method: literature only. Allele origin: germline. Not counted in ClinVar's aggregate classification.

Dr. Peter K. Rogan Lab, Western University
No classification provided (evidence only). Condition: Gastric cancer. Review status: no classification provided. Collection method: in vitro. Allele origin: not applicable. Functional consequence: retained intron. Not counted in ClinVar's aggregate classification.

Literature cited by the submitters: PubMed 20970104 (cited by 3 submitters).

NM_144573.4(NEXN):c.835C>T (p.Arg279Cys)

Gene: NEXN (nexilin F-actin binding protein; plus strand). Cytogenetic location: 1p31.1.
Variant type: single nucleotide variant.
Coding change: c.835C>T on transcript NM_144573.4 (MANE Select); coding-DNA position 835, C replaced by T.
Protein change: p.Arg279Cys; replaces arginine 279 with cysteine.
Molecular consequence: missense variant.
Genome position (GRCh38, 1-based): chr1:77,926,863, C>T. VCF-style: chr1-77926863-C-T. GRCh37 (hg19) VCF-style: chr1-78392548-C-T.
Other names: c.643C>T, p.Arg215Cys (NM_001172309.2); short protein forms R279C, R215C.
Identifiers: ClinVar variation 30994 (VCV000030994.27), dbSNP rs146245480, ClinGen allele CA129605.